The following is an entry in ClinVar:

ClinVar aggregate classification (germline): Uncertain significance. Review status: reviewed by expert panel (3 of 4 stars). 9 submissions from 9 submitters: Uncertain significance (1). 8 of the submissions do not count toward it. Last evaluated 2021-09-27.

Conditions:
Cardiovascular phenotype. Identifiers: MedGen CN230736.
Cardiomyopathy (CMYO). Also called: Cardiomyopathies. Identifiers: Orphanet 167848, MedGen C0878544, MONDO:0004994, HP:0001638. Inheritance: Various modes of inheritance.
Primary dilated cardiomyopathy (DCM). Also called: Dilated Cardiomyopathy. Identifiers: Orphanet 217604, MedGen C0007193, MeSH D002311, MONDO:0005021, HP:0001644. Inheritance: Various modes of inheritance.
Hypertrophic cardiomyopathy. Also called: HYPERTROPHIC MYOCARDIOPATHY. Identifiers: Orphanet 217569, MedGen C0007194, MeSH D002312, MONDO:0005045, HP:0001639.

Allele frequency attached by ClinVar (database versions not stated): TOPMed below 0.00001; gnomAD 0.00001; gnomAD exomes 0.00001; ExAC 0.00002; ESP Exome Variant Server 0.00008.
gnomAD v4.1: 18 of 1,614,044 alleles (0.0011%); highest among the groups gnomAD compares: Middle Eastern, 0.016%; no homozygotes.

Submissions (9):

ClinGen Cardiomyopathy Variant Curation Expert Panel
Classification: Uncertain significance for Primary dilated cardiomyopathy. Last evaluated: 2021-09-27. Review status: reviewed by expert panel. Criteria: ClinGen CMP ACMG Specifications v1. Collection method: curation. Allele origin: germline. Inheritance: Autosomal dominant inheritance.
Comment: The c.1700G>A (p.Arg567His) variant in MYH7 has been identified in 3 individuals with DCM, 1 of whom also had an additional variant in another DCM-associated gene (PS4_Supporting; Pugh 2014 PMID:24503780; Walsh 2017 PMID:27532257; GeneDx pers. comm., LMM pers. comm.) and segregated with disease in 3 affected relatives with DCM from 1 family (PP1; LMM pers. comm.). Additionally, this variant has also been reported in an individual with neuropathy and unspecified heart disease who also had an additional variant in a gene that could account for the clinical features observed (Invitae pers. comm.). This variant has been identified in 0.003% (1/30616) of South Asian chromosomes (PM2;, v2.1.1). This variant lies in the head region of the protein (aa 181-937) and while missense variants in this region are statistically more likely to be associated with HCM (Walsh 2017 PMID:27532257), location in this region cannot be used to support pathogenicity for other phenotypes; therefore, PM1 is not applicable. Computational prediction tools and conservation analysis do not provide strong support for or against an impact to the protein. In summary, due to insufficient evidence, this variant is classified as uncertain significance for dilated cardiomyopathy in an autosomal dominant manner. MYH7-specific ACMG/AMP criteria applied (Kelly 2018 PMID:29300372): PS4_Supporting; PP1; PM2.

Molecular Diagnostic Laboratory for Inherited Cardiovascular Disease, Montreal Heart Institute
Classification: Uncertain significance for Cardiovascular phenotype. Last evaluated: 2025-04-09. Review status: criteria provided, single submitter. Criteria: ACMG Guidelines, 2015. Collection method: clinical testing. Allele origin: germline. Affected: yes. Not counted in ClinVar's aggregate classification.
Comment: PM1, PM2, PS4_supp

Labcorp Genetics (formerly Invitae), Labcorp
Classification: Uncertain significance for Hypertrophic cardiomyopathy. Last evaluated: 2024-12-26. Review status: criteria provided, single submitter. Criteria: Invitae Variant Classification Sherloc (09022015). Collection method: clinical testing. Allele origin: germline. Not counted in ClinVar's aggregate classification.
Comment: This sequence change replaces arginine, which is basic and polar, with histidine, which is basic and polar, at codon 567 of the MYH7 protein (p.Arg567His). This variant is present in population databases (rs377491278, gnomAD 0.003%). This missense change has been observed in individual(s) with dilated cardiomyopathy (PMID: 24503780, 27532257, 37652022). ClinVar contains an entry for this variant (Variation ID: 42860). Invitae Evidence Modeling of protein sequence and biophysical properties (such as structural, functional, and spatial information, amino acid conservation, physicochemical variation, residue mobility, and thermodynamic stability) indicates that this missense variant is expected to disrupt MYH7 protein function with a positive predictive value of 95%. In summary, the available evidence is currently insufficient to determine the role of this variant in disease. Therefore, it has been classified as a Variant of Uncertain Significance.

Ambry Genetics
Classification: Uncertain significance for Cardiovascular phenotype. Last evaluated: 2024-12-05. Review status: criteria provided, single submitter. Criteria: Ambry Variant Classification Scheme 2023. Collection method: clinical testing. Allele origin: germline. Not counted in ClinVar's aggregate classification.
Comment: The p.R567H variant (also known as c.1700G>A), located in coding exon 14 of the MYH7 gene, results from a G to A substitution at nucleotide position 1700. The arginine at codon 567 is replaced by histidine, an amino acid with highly similar properties. This variant has been detected in individuals with dilated cardiomyopathy (DCM) with and without features of noncompaction, some of whom had variants in other cardiomyopathy-related genes, and was reported to segregate with disease in a family with DCM (Pugh TJ et al. Genet Med, 2014 Aug;16:601-8; external communication). This amino acid position is well conserved in available vertebrate species. In addition, the in silico prediction for this alteration is inconclusive. Based on the available evidence, the clinical significance of this variant remains unclear.

Women's Health and Genetics/Laboratory Corporation of America, LabCorp
Classification: Uncertain significance. Last evaluated: 2024-11-11. Review status: criteria provided, single submitter. Criteria: LabCorp Variant Classification Summary - May 2015. Collection method: clinical testing. Allele origin: germline. Not counted in ClinVar's aggregate classification.
Comment: Variant summary: MYH7 c.1700G>A (p.Arg567His) results in a non-conservative amino acid change located in the Myosin head, motor domain-like domain (IPR001609) of the encoded protein sequence. Four of five in-silico tools predict a damaging effect of the variant on protein function. The variant allele was found at a frequency of 1.2e-05 in 251494 control chromosomes. The available data on variant occurrences in the general population are insufficient to allow any conclusion about variant significance. c.1700G>A has been reported in the literature in individuals affected with Dilated Cardiomyopathy (e.g. Pugh_2014, Walsh_2017, McGurk_2023). These reports do not provide unequivocal conclusions about association of the variant with Cardiomyopathy. To our knowledge, no experimental evidence demonstrating an impact on protein function has been reported. The following publications have been ascertained in the context of this evaluation (PMID: 37652022, 24503780, 27532257). ClinVar contains an entry for this variant (Variation ID: 42860). Based on the evidence outlined above, the variant was classified as uncertain significance.

GeneDx
Classification: Likely pathogenic. Last evaluated: 2024-09-12. Review status: criteria provided, single submitter. Criteria: GeneDx Variant Classification Process June 2021. Collection method: clinical testing. Allele origin: germline. Not counted in ClinVar's aggregate classification.
Comment: Identified in patients with DCM and in a patient with left bundle branch block in published literature (PMID: 27532257, 24503780, 37652022); Not observed at significant frequency in large population cohorts (gnomAD); In silico analysis supports that this missense variant has a deleterious effect on protein structure/function; This variant is associated with the following publications: (PMID: 27532257, 31447099, 37652022, 29300372, 24503780)

CeGaT Center for Human Genetics Tuebingen
Classification: Uncertain significance. Last evaluated: 2024-04-01. Review status: criteria provided, single submitter. Criteria: CeGaT Center For Human Genetics Tuebingen Variant Classification Criteria Version 2. Collection method: clinical testing. Allele origin: germline. Affected: yes. Observed: 1 variant allele. Not counted in ClinVar's aggregate classification.

CHEO Genetics Diagnostic Laboratory, Children's Hospital of Eastern Ontario
Classification: Likely pathogenic for Cardiomyopathy. Last evaluated: 2023-05-25. Review status: criteria provided, single submitter. Criteria: ACMG Guidelines, 2015. Collection method: clinical testing. Allele origin: germline. Not counted in ClinVar's aggregate classification.

Laboratory for Molecular Medicine, Mass General Brigham Personalized Medicine
Classification: Likely pathogenic for Primary dilated cardiomyopathy. Last evaluated: 2014-04-04. Review status: criteria provided, single submitter. Criteria: LMM Criteria. Collection method: clinical testing. Allele origin: germline. Observed: 6 variant alleles. Not counted in ClinVar's aggregate classification.
Comment: proposed classification - variant undergoing re-assessment, contact laboratory

Literature cited by the submitters: PubMed 24503780 (cited by 3 submitters); PubMed 27532257 (cited by Labcorp Genetics (formerly Invitae), Labcorp and Women's Health and Genetics/Laboratory Corporation of America, LabCorp); PubMed 37652022 (cited by 3 submitters).

NM_000257.4(MYH7):c.1700G>A (p.Arg567His)

Gene: MYH7 (myosin heavy chain 7; minus strand). Cytogenetic location: 14q11.2.
Variant type: single nucleotide variant.
Coding change: c.1700G>A on transcript NM_000257.4 (MANE Select); coding-DNA position 1700, G replaced by A.
Protein change: p.Arg567His; replaces arginine 567 with histidine.
Molecular consequence: missense variant.
Genome position (GRCh38, 1-based): chr14:23,427,773, C>T on the plus strand (G>A on the coding strand, the complement: MYH7 is on the minus strand). VCF-style: chr14-23427773-C-T. GRCh37 (hg19) VCF-style: chr14-23896982-C-T.
Other names: NM_000257.4(MYH7):c.1700G>A; short protein forms R567H.
Identifiers: ClinVar variation 42860 (VCV000042860.42), dbSNP rs377491278, ClinGen allele CA011148.
Genomic context (GRCh38, chr14:23,427,773, plus strand): 5'-TCCACGATGCCGGCATAGTGGATCAGGGAGAAGTGGGCTTCAGGCTTCCCCTTGATATTG[C>T]GTGGCTTCTGGAAGTTGGCGGATTTGCCCAGGTGGTTGTCAAACAGCTTGGCCTTGAAGG-3'
Protein context (NP_000248.2, residues 557-577): LGKSANFQKP[Arg567His]NIKGKPEAHF